The following is an entry in ClinVar:

ClinVar aggregate classification (germline): Uncertain significance. Review status: criteria provided, single submitter (1 of 4 stars). 2 submissions from 2 submitters: Uncertain significance (1). 1 of the submissions does not count toward it. Last evaluated 2022-10-07.

Conditions:
NHERF1-related disorder. Also called: NHERF1-related condition.

Allele frequency attached by ClinVar (database versions not stated): gnomAD 0.00005; ESP Exome Variant Server 0.00008.
gnomAD v4.1: 50 of 1,614,062 alleles (0.0031%); highest among the groups gnomAD compares: Admixed American, 0.012%; no homozygotes.

Submissions (2):

Labcorp Genetics (formerly Invitae), Labcorp
Classification: Uncertain significance. Last evaluated: 2022-10-07. Review status: criteria provided, single submitter. Criteria: Invitae Variant Classification Sherloc (09022015). Collection method: clinical testing. Allele origin: germline.
Comment: This sequence change replaces arginine, which is basic and polar, with glutamine, which is neutral and polar, at codon 180 of the SLC9A3R1 protein (p.Arg180Gln). This variant is present in population databases (rs146832150, gnomAD 0.009%). This missense change has been observed in individual(s) with age related hearing loss (PMID: 30863428). Algorithms developed to predict the effect of missense changes on protein structure and function are either unavailable or do not agree on the potential impact of this missense change (SIFT: "Tolerated"; PolyPhen-2: "Probably Damaging"; Align-GVGD: "Class C0"). Experimental studies are conflicting or provide insufficient evidence to determine the effect of this variant on SLC9A3R1 function (PMID: 30863428). Algorithms developed to predict the effect of sequence changes on RNA splicing suggest that this variant may disrupt the consensus splice site. In summary, the available evidence is currently insufficient to determine the role of this variant in disease. Therefore, it has been classified as a Variant of Uncertain Significance.

PreventionGenetics, part of Exact Sciences
Classification: Uncertain significance for NHERF1-related condition. Last evaluated: 2024-02-28. Review status: no assertion criteria provided. Collection method: clinical testing. Allele origin: germline. Not counted in ClinVar's aggregate classification.
Comment: The NHERF1 c.539G>A variant is predicted to result in the amino acid substitution p.Arg180Gln. To our knowledge, this variant has not been reported in the literature. This variant is reported in 0.012% of alleles in individuals of Latino descent in gnomAD. At this time, the clinical significance of this variant is uncertain due to the absence of conclusive functional and genetic evidence.

Literature cited by the submitters: PubMed 30863428 (cited by Labcorp Genetics (formerly Invitae), Labcorp).

NM_004252.5(NHERF1):c.539G>A (p.Arg180Gln)

Gene: NHERF1 (NHERF family PDZ scaffold protein 1; plus strand). Cytogenetic location: 17q25.1.
Variant type: single nucleotide variant.
Coding change: c.539G>A on transcript NM_004252.5 (MANE Select); coding-DNA position 539, G replaced by A.
Protein change: p.Arg180Gln; replaces arginine 180 with glutamine.
Molecular consequence: missense variant.
Genome position (GRCh38, 1-based): chr17:74,762,109, G>A. VCF-style: chr17-74762109-G-A. GRCh37 (hg19) VCF-style: chr17-72758248-G-A.
Other names: c.539G>A (NM_004252.4); short protein forms R180Q.
Identifiers: ClinVar variation 2884076 (VCV002884076.5), dbSNP rs146832150, ClinGen allele CA8750619.